The following is an entry in ClinVar:

NM_000489.6(ATRX):c.6863G>A (p.Arg2288His)

Gene: ATRX (ATRX chromatin remodeler; minus strand). Cytogenetic location: Xq21.1.
Variant type: single nucleotide variant.
Coding change: c.6863G>A on transcript NM_000489.6 (MANE Select); coding-DNA position 6863, G replaced by A.
Protein change: p.Arg2288His; replaces arginine 2288 with histidine.
Molecular consequence: missense variant.
Genome position (GRCh38, 1-based): chrX:77,522,375, C>T on the plus strand (G>A on the coding strand, the complement: ATRX is on the minus strand). VCF-style: chrX-77522375-C-T. GRCh37 (hg19) VCF-style: chrX-76777853-C-T.
Other names: c.6749G>A, p.Arg2250His (NM_138270.5); short protein forms R2288H, R2250H.
Identifiers: ClinVar variation 431097 (VCV000431097.5), dbSNP rs1135401774, ClinGen allele CA413709027.

ClinVar aggregate classification (germline): Uncertain significance. Review status: criteria provided, multiple submitters, no conflicts (2 of 4 stars). 2 submissions from 2 submitters: Uncertain significance (2). Last evaluated 2022-06-09.

Conditions:
Alpha thalassemia-X-linked intellectual disability syndrome (ATRX). Also called: ALPHA-THALASSEMIA/MENTAL RETARDATION SYNDROME, X-LINKED; X-linked alpha-thalassemia-mental retardation syndrome; ATR-X syndrome; Alpha thalassemia mental retardation syndrome, nondeletion type, X-linked; XLMR hypotonic face syndrome; ATR, NONDELETION TYPE. Identifiers: Orphanet 847, MedGen C1845055, MONDO:0010519, OMIM 301040.

Allele frequency attached by ClinVar (database versions not stated): gnomAD exomes below 0.00001; TOPMed 0.00001.
gnomAD v4.1: 1 of 1,210,004 alleles (0.000083%); highest among the groups gnomAD compares: Non-Finnish European, 0.00011%; no homozygotes.

Submissions (2):

Labcorp Genetics (formerly Invitae), Labcorp
Classification: Uncertain significance for Alpha thalassemia-X-linked intellectual disability syndrome. Last evaluated: 2022-06-09. Review status: criteria provided, single submitter. Criteria: Invitae Variant Classification Sherloc (09022015). Collection method: clinical testing. Allele origin: germline.
Comment: This sequence change replaces arginine, which is basic and polar, with histidine, which is basic and polar, at codon 2288 of the ATRX protein (p.Arg2288His). This variant is not present in population databases (gnomAD no frequency). This missense change has been observed in individual(s) with clinical features of ATRX-related conditions (PMID: 29158550). ClinVar contains an entry for this variant (Variation ID: 431097). Algorithms developed to predict the effect of missense changes on protein structure and function are either unavailable or do not agree on the potential impact of this missense change (SIFT: "Deleterious"; PolyPhen-2: "Benign"; Align-GVGD: "Class C0"). In summary, the available evidence is currently insufficient to determine the role of this variant in disease. Therefore, it has been classified as a Variant of Uncertain Significance.

Institute of Human Genetics, FAU Erlangen, Friedrich-Alexander-Universität Erlangen-Nürnberg
Classification: Uncertain significance for Alpha thalassemia-X-linked intellectual disability syndrome. Last evaluated: 2017-08-01. Review status: criteria provided, single submitter. Criteria: ACMG Guidelines, 2015. Collection method: clinical testing. Allele origin: maternal. Inheritance: X-linked recessive inheritance. Affected: yes. Observed: 1 variant allele, 1 hemizygote.
Comment: The missense variant c.6863G>A, p.(Arg2288His) in ATRX is located downstream of the two functional domains harboring approximately 80% of mutations but affects a highly conserved amino acid. Pathogenic relevance might be confirmed by determining Hb inclusion bodies in erythrocytes.

Literature cited by the submitters: PubMed 29158550 (cited by Labcorp Genetics (formerly Invitae), Labcorp).